The following is an entry in ClinVar:

ClinVar aggregate classification (germline): Likely benign (1 of 4 stars; one submission).

Conditions:
OTOF-related disorder. Also called: OTOF-related condition.

Submission:

PreventionGenetics, part of Exact Sciences
Classification: Likely benign for OTOF-related condition. Last evaluated: 2025-03-26. Review status: criteria provided, single submitter. Criteria: ACMG Guidelines, 2015. Collection method: clinical testing. Allele origin: germline.
Comment: This variant is classified as likely benign based on ACMG/AMP sequence variant interpretation guidelines (Richards et al. 2015 PMID: 25741868, with internal and published modifications).

NM_194248.3(OTOF):c.5712G>A (p.Thr1904=)

Gene: OTOF (otoferlin; minus strand). Cytogenetic location: 2p23.3.
Variant type: single nucleotide variant.
Coding change: c.5712G>A on transcript NM_194248.3 (MANE Select); coding-DNA position 5712, G replaced by A.
Protein change: p.Thr1904=; no amino-acid change (threonine 1904 retained).
Molecular consequence: synonymous variant.
Genome position (GRCh38, 1-based): chr2:26,460,852, C>T on the plus strand (G>A on the coding strand, the complement: OTOF is on the minus strand). VCF-style: chr2-26460852-C-T. GRCh37 (hg19) VCF-style: chr2-26683720-C-T.
Other names: c.5712G>A, p.Thr1904= (NM_001287489.2); c.3411G>A, p.Thr1137= (NM_004802.4, NM_194323.3); c.3642G>A, p.Thr1214= (NM_194322.3).
Identifiers: ClinVar variation 4985283 (VCV004985283.1).